The following is an entry in ClinVar:

NM_003590.5(CUL3):c.1388G>T (p.Gly463Val)

Gene: CUL3 (cullin 3; minus strand). Cytogenetic location: 2q36.2.
Variant type: single nucleotide variant.
Coding change: c.1388G>T on transcript NM_003590.5 (MANE Select); coding-DNA position 1388, G replaced by T.
Protein change: p.Gly463Val; replaces glycine 463 with valine.
Molecular consequence: missense variant.
Genome position (GRCh38, 1-based): chr2:224,503,062, C>A on the plus strand (G>T on the coding strand, the complement: CUL3 is on the minus strand). VCF-style: chr2-224503062-C-A. GRCh37 (hg19) VCF-style: chr2-225367779-C-A.
Other names: c.1190G>T, p.Gly397Val (NM_001257197.2); c.1406G>T, p.Gly469Val (NM_001257198.2); short protein forms G397V, G463V, G469V.
Identifiers: ClinVar variation 4077257 (VCV004077257.1).

ClinVar aggregate classification (germline): Uncertain significance (1 of 4 stars; one submission).

Submission:

GeneDx
Classification: Uncertain significance. Last evaluated: 2025-02-26. Review status: criteria provided, single submitter. Criteria: GeneDx Variant Classification Process June 2021. Collection method: clinical testing. Allele origin: germline. Affected: yes.
Comment: Not observed at significant frequency in large population cohorts (gnomAD); In silico analysis supports that this missense variant has a deleterious effect on protein structure/function; Has not been previously published as pathogenic or benign to our knowledge